The following is an entry in ClinVar:

ClinVar aggregate classification (germline): Uncertain significance (1 of 4 stars; one submission).

Submission:

Ambry Genetics
Classification: Uncertain significance. Last evaluated: 2025-10-11. Review status: criteria provided, single submitter. Criteria: Ambry Variant Classification Scheme 2023. Collection method: clinical testing. Allele origin: germline.
Comment: The p.Q323R variant (also known as c.968A>G), located in coding exon 1 of the TET2 gene, results from an A to G substitution at nucleotide position 968. The glutamine at codon 323 is replaced by arginine, an amino acid with highly similar properties. This amino acid position is conserved. In addition, this alteration is predicted to be tolerated by in silico analysis. Based on the available evidence, the clinical significance of this variant remains unclear.

NM_001127208.3(TET2):c.968A>G (p.Gln323Arg)

Genes: TET2 (tet methylcytosine dioxygenase 2; plus strand), TET2-AS1 (TET2 antisense RNA 1; minus strand). Cytogenetic location: 4q24.
Variant type: single nucleotide variant.
Coding change: c.968A>G on transcript NM_001127208.3 (MANE Select); coding-DNA position 968, A replaced by G.
Protein change: p.Gln323Arg; replaces glutamine 323 with arginine.
Molecular consequence: missense variant.
Genome position (GRCh38, 1-based): chr4:105,234,910, A>G. VCF-style: chr4-105234910-A-G. GRCh37 (hg19) VCF-style: chr4-106156067-A-G.
Other names: c.968A>G, p.Gln323Arg (NM_017628.4); short protein forms Q323R.
Identifiers: ClinVar variation 4594155 (VCV004594155.1).
Genomic context (GRCh38, chr4:105,234,910, plus strand): 5'-ATGCCAGTAAACTAGCTGCAATGCTAAATACCTGTTCCTTTCAGAAACCAGAACAACTAC[A>G]ACAACAAAAATCAGTTTTTGAGATATGCCCATCTCCTGCAGAAAATAACATCCAGGGAAC-3'
Protein context (NP_001120680.1, residues 313-333): TCSFQKPEQL[Gln323Arg]QQKSVFEICP